The following is an entry in ClinVar:

NM_001349.4(DARS1):c.802A>G (p.Ile268Val)

Gene: DARS1 (aspartyl-tRNA synthetase 1; minus strand). Cytogenetic location: 2q21.3.
Variant type: single nucleotide variant.
Coding change: c.802A>G on transcript NM_001349.4 (MANE Select); coding-DNA position 802, A replaced by G.
Protein change: p.Ile268Val; replaces isoleucine 268 with valine.
Molecular consequence: missense variant.
Genome position (GRCh38, 1-based): chr2:135,922,793, T>C on the plus strand (A>G on the coding strand, the complement: DARS1 is on the minus strand). VCF-style: chr2-135922793-T-C. GRCh37 (hg19) VCF-style: chr2-136680363-T-C.
Other names: c.502A>G, p.Ile168Val (NM_001293312.1); short protein forms I268V, I168V.
Identifiers: ClinVar variation 382069 (VCV000382069.12), dbSNP rs60318326, ClinGen allele CA1889685.
Genomic context (GRCh38, chr2:135,922,793, plus strand): 5'-ACTGCTGTATAATTAATTAACTTGGATAAAACATAACTGCCAAAATCTTACCTGGTCCAA[T>C]AGAGAAAACCTTCTCAAAATCAGCACAAATGCACATTTGCTTATATAGCTGTGGGGACTG-3'
Protein context (NP_001340.2, residues 258-278): ICADFEKVFS[Ile268Val]GPVFRAEDSN

ClinVar aggregate classification (germline): Benign. Review status: criteria provided, multiple submitters, no conflicts (2 of 4 stars). 3 submissions from 3 submitters: Benign (3). Last evaluated 2026-01-26.

Allele frequency attached by ClinVar (database versions not stated): 1000 Genomes Project 0.00459; ESP Exome Variant Server 0.00669; 1000 Genomes Project 30x 0.00547; gnomAD 0.00614; TOPMed 0.00624.
gnomAD v4.1: 1,644 of 1,564,038 alleles (0.11%); highest among the groups gnomAD compares: African/African-American, 2.1%; 15 homozygotes.

Submissions (3):

Labcorp Genetics (formerly Invitae), Labcorp
Classification: Benign. Last evaluated: 2026-01-26. Review status: criteria provided, single submitter. Criteria: Invitae Variant Classification Sherloc (09022015). Collection method: clinical testing. Allele origin: germline.

GeneDx
Classification: Benign. Last evaluated: 2016-09-30. Review status: criteria provided, single submitter. Criteria: GeneDx Variant Classification (06012015). Collection method: clinical testing. Allele origin: germline. Affected: yes.
Comment: This variant is considered likely benign or benign based on one or more of the following criteria: it is a conservative change, it occurs at a poorly conserved position in the protein, it is predicted to be benign by multiple in silico algorithms, and/or has population frequency not consistent with disease.

Breakthrough Genomics
Classification: Benign. Review status: criteria provided, single submitter. Criteria: ACMG Guidelines, 2015. Collection method: not provided. Allele origin: germline. Inheritance: Autosomal recessive inheritance. Affected: yes.